The following is an entry in ClinVar:

ClinVar aggregate classification (germline): Benign (1 of 4 stars; one submission).

Allele frequency attached by ClinVar (database versions not stated): gnomAD 0.01857 and 0.01980; 1000 Genomes Project 30x 0.01998; 1000 Genomes Project 0.02119; TOPMed 0.02147.
gnomAD v4.1: 2,068 of 112,304 alleles (1.8%); highest among the groups gnomAD compares: African/African-American, 6.3%; 54 homozygotes.

Submission:

GeneDx
Classification: Benign. Last evaluated: 2018-06-18. Review status: criteria provided, single submitter. Criteria: GeneDx Variant Classification (06012015). Collection method: clinical testing. Allele origin: germline. Affected: yes.
Comment: This variant is considered likely benign or benign based on one or more of the following criteria: it is a conservative change, it occurs at a poorly conserved position in the protein, it is predicted to be benign by multiple in silico algorithms, and/or has population frequency not consistent with disease.

NM_000252.3(MTM1):c.1260+240A>G

Gene: MTM1 (myotubularin 1; plus strand). Cytogenetic location: Xq28.
Variant type: single nucleotide variant.
Coding change: c.1260+240A>G on transcript NM_000252.3 (MANE Select); 240 bases into the intron after coding-DNA position 1260, A replaced by G.
Molecular consequence: intron variant.
Genome position (GRCh38, 1-based): chrX:150,658,267, A>G. VCF-style: chrX-150658267-A-G. GRCh37 (hg19) VCF-style: chrX-149826740-A-G.
Other names: c.1260+240A>G (NM_001376908.1, NM_001376906.1); c.1149+240A>G (NM_001376907.1).
Identifiers: ClinVar variation 683216 (VCV000683216.1), dbSNP rs147799230, ClinGen allele CA337093033.
Genomic context (GRCh38, chrX:150,658,267, plus strand): 5'-CATCTGCACTGTTTGCAGTTTCACTTGAAAGCAATACAAAGAATCTTCATAGAAATGTTT[A>G]CATTGAAATTTCATAAGAGAAGGAAGACAGACAATTCTTTCTCAAATAATATAGCTATTA-3'